The following is an entry in ClinVar:

NM_015346.4(ZFYVE26):c.3627-272T>G

Gene: ZFYVE26 (zinc finger FYVE-type containing 26; minus strand). Cytogenetic location: 14q24.1.
Variant type: single nucleotide variant.
Coding change: c.3627-272T>G on transcript NM_015346.4 (MANE Select); 272 bases into the intron before coding-DNA position 3627, T replaced by G.
Molecular consequence: intron variant.
Genome position (GRCh38, 1-based): chr14:67,783,797, A>C on the plus strand (T>G on the coding strand, the complement: ZFYVE26 is on the minus strand). VCF-style: chr14-67783797-A-C. GRCh37 (hg19) VCF-style: chr14-68250514-A-C.
Identifiers: ClinVar variation 669978 (VCV000669978.1), dbSNP rs7143496, ClinGen allele CA14007122.

ClinVar aggregate classification (germline): Benign (1 of 4 stars; one submission).

Allele frequency attached by ClinVar (database versions not stated): gnomAD 0.67782 and 0.68452; TOPMed 0.68621; 1000 Genomes Project 30x 0.76749; 1000 Genomes Project 0.76957.
gnomAD v4.1: 104,058 of 152,076 alleles (68%); highest among the groups gnomAD compares: East Asian, 98%; 36,072 homozygotes.

Submission:

GeneDx
Classification: Benign. Last evaluated: 2018-06-14. Review status: criteria provided, single submitter. Criteria: GeneDx Variant Classification (06012015). Collection method: clinical testing. Allele origin: germline. Affected: yes.
Comment: This variant is considered likely benign or benign based on one or more of the following criteria: it is a conservative change, it occurs at a poorly conserved position in the protein, it is predicted to be benign by multiple in silico algorithms, and/or has population frequency not consistent with disease.